The following is an entry in ClinVar:

ClinVar aggregate classification (germline): Uncertain significance (1 of 4 stars; one submission).

Submission:

ISCA Site 6
Classification: Uncertain significance. Last evaluated: 2011-08-12. Review status: criteria provided, single submitter. Criteria: Kaminsky et al. (Genet Med. 2011). Collection method: clinical testing. Allele origin: maternal. Affected: yes. Observed: 1 variant allele.
Comment: Copy number variation identified through the course of routine clinical cytogenomic testing in postnatal populations. Clinical assertions have been curated as described in Kaminsky et al. 2011.

GRCh38/hg38 3p12.2-11.2(chr3:80320584-87468216)x3

Genes: CADM2 (cell adhesion molecule 2; plus strand), CADM2-AS1 (CADM2 antisense RNA 1; minus strand), CADM2-AS2 (CADM2 antisense RNA 2; minus strand), CHMP2B (charged multivesicular body protein 2B; plus strand), GBE1 (1,4-alpha-glucan branching enzyme 1; minus strand) and 45 more. Cytogenetic location: 3p12.2-11.2.
Variant type: copy number gain.
Change: copy number 3 (three copies instead of two) of chr3:80,320,584-87,468,216 (7.15 Mb, GRCh38 coordinates, 1-based), cytogenetic band 3p12.2-11.2.
Identifiers: ClinVar variation 57759 (VCV000057759.2).